The following is an entry in ClinVar:

ClinVar aggregate classification (germline): Uncertain significance (1 of 4 stars; one submission).

Conditions:
Dilated cardiomyopathy 1J (CMD1J). Also called: CARDIOMYOPATHY, DILATED, WITH SENSORINEURAL HEARING LOSS, AUTOSOMAL DOMINANT. Identifiers: Orphanet 217622, MedGen C1854368, MONDO:0011541, OMIM 605362.

Submission:

Labcorp Genetics (formerly Invitae), Labcorp
Classification: Uncertain significance for Dilated cardiomyopathy 1J. Last evaluated: 2023-07-29. Review status: criteria provided, single submitter. Criteria: Invitae Variant Classification Sherloc (09022015). Collection method: clinical testing. Allele origin: germline.
Comment: This sequence change replaces threonine, which is neutral and polar, with isoleucine, which is neutral and non-polar, at codon 295 of the EYA4 protein (p.Thr295Ile). This variant is not present in population databases (gnomAD no frequency). This variant has not been reported in the literature in individuals affected with EYA4-related conditions. Advanced modeling of protein sequence and biophysical properties (such as structural, functional, and spatial information, amino acid conservation, physicochemical variation, residue mobility, and thermodynamic stability) performed at Invitae indicates that this missense variant is not expected to disrupt EYA4 protein function. In summary, the available evidence is currently insufficient to determine the role of this variant in disease. Therefore, it has been classified as a Variant of Uncertain Significance.

NM_004100.5(EYA4):c.884C>T (p.Thr295Ile)

Gene: EYA4 (EYA transcriptional coactivator and phosphatase 4; plus strand). Cytogenetic location: 6q23.2.
Variant type: single nucleotide variant.
Coding change: c.884C>T on transcript NM_004100.5 (MANE Select); coding-DNA position 884, C replaced by T.
Protein change: p.Thr295Ile; replaces threonine 295 with isoleucine.
Molecular consequence: missense variant.
Genome position (GRCh38, 1-based): chr6:133,468,645, C>T. VCF-style: chr6-133468645-C-T. GRCh37 (hg19) VCF-style: chr6-133789783-C-T.
Other names: c.722C>T, p.Thr241Ile (NM_001301012.2, NM_001370459.1); c.884C>T, p.Thr295Ile (NM_001301013.2, NM_172105.4); c.815C>T, p.Thr272Ile (NM_001370458.1, NM_172103.4); short protein forms T241I, T272I, T295I.
Identifiers: ClinVar variation 2748074 (VCV002748074.3), dbSNP rs2534669205, ClinGen allele CA365703627.